The following is an entry in ClinVar:

ClinVar aggregate classification (germline): Uncertain significance (1 of 4 stars; one submission).

Conditions:
Cardiovascular phenotype. Identifiers: MedGen CN230736.

Submission:

Ambry Genetics
Classification: Uncertain significance for Cardiovascular phenotype. Last evaluated: 2025-11-13. Review status: criteria provided, single submitter. Criteria: Ambry Variant Classification Scheme 2023. Collection method: clinical testing. Allele origin: germline.
Comment: The c.5251delG variant, located in coding exon 12 of the ALPK3 gene, results from a deletion of one nucleotide at nucleotide position 5251, causing a translational frameshift with a predicted alternate stop codon (p.A1751Pfs*32). This alteration occurs at the 3' terminus of the gene, is not expected to trigger nonsense-mediated mRNAdecay, and impacts the last 8% of the protein. The exact functional effect of this alteration is unknown. Based on the available evidence, the clinical significance of this variant remains unclear.

NM_020778.5(ALPK3):c.4645del (p.Ala1549fs)

Gene: ALPK3 (alpha kinase 3; plus strand). Cytogenetic location: 15q25.3.
Variant type: Deletion.
Coding change: c.4645del on transcript NM_020778.5 (MANE Select); coding-DNA position 4645, one base deleted (G; older notation c.4645delG).
Protein change: p.Ala1549fs; shifts the reading frame from alanine 1549.
Molecular consequence: frameshift variant.
Genome position (GRCh38, 1-based): chr15:84,864,587, G deleted; the last of 2 consecutive G bases (chr15:84,864,586-84,864,587); deleting either gives the same sequence. VCF-style (leftmost placement, unchanged base first): chr15-84864585-AG-A. GRCh37 (hg19) VCF-style: chr15-85407816-AG-A.
Other names: short protein forms A1549fs.
Identifiers: ClinVar variation 4613491 (VCV004613491.1).